The following is an entry in ClinVar:

ClinVar aggregate classification (germline): Conflicting classifications of pathogenicity. Review status: criteria provided, conflicting classifications (1 of 4 stars). 7 submissions from 7 submitters: Uncertain significance (3); Likely benign (1). 3 of the submissions do not count toward it. Last evaluated 2025-09-10.

Conditions:
Cardiovascular phenotype. Identifiers: MedGen CN230736.
Brugada syndrome. Also called: Sudden unexpected nocturnal death syndrome; Sudden Unexplained Death Syndrome; Sudden Unexplained Nocturnal Death Syndrome (SUNDS); Sudden unexplained nocturnal death syndrome. Identifiers: Orphanet 130, MedGen C1142166, MONDO:0015263.
Brugada syndrome 2 (BRGDA2). Identifiers: Orphanet 130, MedGen C2673193, MONDO:0012728, OMIM 611777.

Allele frequency attached by ClinVar (database versions not stated): gnomAD 0.00003 and 0.00004; TOPMed 0.00003; ExAC 0.00004; gnomAD exomes 0.00005 and 0.00006.
gnomAD v4.1: 92 of 1,613,638 alleles (0.0057%); highest among the groups gnomAD compares: Non-Finnish European, 0.0073%; no homozygotes.

Submissions (7):

Labcorp Genetics (formerly Invitae), Labcorp
Classification: Uncertain significance for Brugada syndrome. Last evaluated: 2025-09-10. Review status: criteria provided, single submitter. Criteria: Invitae Variant Classification Sherloc (09022015). Collection method: clinical testing. Allele origin: germline.
Comment: This sequence change replaces arginine, which is basic and polar, with cysteine, which is neutral and slightly polar, at codon 273 of the GPD1L protein (p.Arg273Cys). This variant is present in population databases (rs72552294, gnomAD 0.01%). This missense change has been observed in individual(s) with clinical features of GPD1L-related conditions (PMID: 17967976, 30847666). ClinVar contains an entry for this variant (Variation ID: 789). Invitae Evidence Modeling of protein sequence and biophysical properties (such as structural, functional, and spatial information, amino acid conservation, physicochemical variation, residue mobility, and thermodynamic stability) has been performed for this missense variant. However, the output from this modeling did not meet the statistical confidence thresholds required to predict the impact of this variant on GPD1L protein function. Experimental studies have shown that this missense change affects GPD1L function (PMID: 17967976). In summary, the available evidence is currently insufficient to determine the role of this variant in disease. Therefore, it has been classified as a Variant of Uncertain Significance.

GeneDx
Classification: Uncertain significance. Last evaluated: 2024-08-27. Review status: criteria provided, single submitter. Criteria: GeneDx Variant Classification Process June 2021. Collection method: clinical testing. Allele origin: germline. Affected: yes.
Comment: Identified in a patient with an unspecified arrhythmia and a case of sudden infant death syndrome (SIDS) (PMID: 30847666, 17967976); In silico analysis supports that this missense variant has a deleterious effect on protein structure/function; This variant is associated with the following publications: (PMID: 17967976, 30847666, 31043699)

Ambry Genetics
Classification: Likely benign for Cardiovascular phenotype. Last evaluated: 2022-03-11. Review status: criteria provided, single submitter. Criteria: Ambry Variant Classification Scheme 2023. Collection method: clinical testing. Allele origin: germline.

Fulgent Genetics
Classification: Uncertain significance for Brugada syndrome 2. Last evaluated: 2021-10-16. Review status: criteria provided, single submitter. Criteria: ACMG Guidelines, 2015. Collection method: clinical testing. Allele origin: unknown.

OMIM
Classification: Pathogenic for BRUGADA SYNDROME 2. Last evaluated: 2007-11-13. Review status: no assertion criteria provided. Collection method: literature only. Allele origin: germline. Not counted in ClinVar's aggregate classification.

Clinical Genetics, Academic Medical Center
Classification: Uncertain significance. Review status: no assertion criteria provided. Collection method: clinical testing. Allele origin: germline. Affected: yes. Study: VKGL Data-share Consensus. Not counted in ClinVar's aggregate classification.

Joint Genome Diagnostic Labs from Nijmegen and Maastricht, Radboudumc and MUMC+
Classification: Uncertain significance. Review status: no assertion criteria provided. Collection method: clinical testing. Allele origin: germline. Affected: yes. Study: VKGL Data-share Consensus. Not counted in ClinVar's aggregate classification.

Literature cited by the submitters: PubMed 17967976 (cited by 3 submitters); PubMed 30847666 (cited by Labcorp Genetics (formerly Invitae), Labcorp); PubMed 31043699 (cited by Ambry Genetics).

NM_015141.4(GPD1L):c.817C>T (p.Arg273Cys)

Gene: GPD1L (glycerol-3-phosphate dehydrogenase 1 like; plus strand). Cytogenetic location: 3p22.3.
Variant type: single nucleotide variant.
Coding change: c.817C>T on transcript NM_015141.4 (MANE Select); coding-DNA position 817, C replaced by T.
Protein change: p.Arg273Cys; replaces arginine 273 with cysteine.
Molecular consequence: missense variant.
Genome position (GRCh38, 1-based): chr3:32,159,074, C>T. VCF-style: chr3-32159074-C-T. GRCh37 (hg19) VCF-style: chr3-32200566-C-T.
Other names: p.R273C:CGC>TGC; short protein forms R273C.
Identifiers: ClinVar variation 789 (VCV000000789.18), dbSNP rs72552294, ClinGen allele CA251607.